The following is an entry in ClinVar:

ClinVar aggregate classification (germline): Uncertain significance (1 of 4 stars; one submission).

Conditions:
Cornelia de Lange syndrome 1 (CDLS1). Also called: TYPUS DEGENERATIVUS AMSTELODAMENSIS; Brachmann de Lange syndrome; NIPBL-Related Cornelia de Lange Syndrome. Identifiers: Orphanet 199, MedGen C4551851, MONDO:0007387, OMIM 122470.

gnomAD v4.1: 1 of 1,613,918 alleles (0.000062%); highest among the groups gnomAD compares: Non-Finnish European, 0.000085%; no homozygotes.

Submission:

Labcorp Genetics (formerly Invitae), Labcorp
Classification: Uncertain significance for Cornelia de Lange syndrome 1. Last evaluated: 2025-11-13. Review status: criteria provided, single submitter. Criteria: Invitae Variant Classification Sherloc (09022015). Collection method: clinical testing. Allele origin: germline.
Comment: This sequence change replaces serine, which is neutral and polar, with glycine, which is neutral and non-polar, at codon 542 of the NIPBL protein (p.Ser542Gly). This variant is not present in population databases (gnomAD no frequency). This variant has not been reported in the literature in individuals affected with NIPBL-related conditions. Invitae Evidence Modeling of protein sequence and biophysical properties (such as structural, functional, and spatial information, amino acid conservation, physicochemical variation, residue mobility, and thermodynamic stability) has been performed for this missense variant. However, the output from this modeling did not meet the statistical confidence thresholds required to predict the impact of this variant on NIPBL protein function. In summary, the available evidence is currently insufficient to determine the role of this variant in disease. Therefore, it has been classified as a Variant of Uncertain Significance.

NM_133433.4(NIPBL):c.1624A>G (p.Ser542Gly)

Gene: NIPBL (NIPBL cohesin loading factor; plus strand). Cytogenetic location: 5p13.2.
Variant type: single nucleotide variant.
Coding change: c.1624A>G on transcript NM_133433.4 (MANE Select); coding-DNA position 1624, A replaced by G.
Protein change: p.Ser542Gly; replaces serine 542 with glycine.
Molecular consequence: missense variant.
Genome position (GRCh38, 1-based): chr5:36,984,804, A>G. VCF-style: chr5-36984804-A-G. GRCh37 (hg19) VCF-style: chr5-36984906-A-G.
Other names: c.1624A>G, p.Ser542Gly (NM_001438586.1, NM_015384.5); short protein forms S542G.
Identifiers: ClinVar variation 4802720 (VCV004802720.1).